The following is an entry in ClinVar:

NM_000059.4(BRCA2):c.7726G>T (p.Gly2576Ter)

Gene: BRCA2 (BRCA2 DNA repair associated; plus strand). Cytogenetic location: 13q13.1.
Variant type: single nucleotide variant.
Coding change: c.7726G>T on transcript NM_000059.4 (MANE Select); coding-DNA position 7726, G replaced by T.
Protein change: p.Gly2576Ter; replaces glycine 2576 with a stop codon.
Molecular consequence: nonsense.
Genome position (GRCh38, 1-based): chr13:32,357,850, G>T. VCF-style: chr13-32357850-G-T. GRCh37 (hg19) VCF-style: chr13-32931987-G-T.
Other names: short protein forms G2576*.
Identifiers: ClinVar variation 1050735 (VCV001050735.3), dbSNP rs1210418849, ClinGen allele CA387745496.

ClinVar aggregate classification (germline): Pathogenic (0 of 4 stars; one submission).

Conditions:
Malignant tumor of breast. Also called: Malignant breast neoplasm; Cancer breast. Identifiers: MedGen C0006142, MONDO:0007254. Disease mechanism: loss of function.

Submission:

Department of Pathology and Laboratory Medicine, Sinai Health System
Classification: Pathogenic for Malignant tumor of breast. Review status: no assertion criteria provided. Collection method: clinical testing. Allele origin: unknown. Affected: yes. Observed: 1 variant allele. Study: The Canadian Open Genetics Repository (COGR).
Comment: The BRCA2 p.Gly2576X variant was not identified in the literature nor was it identified in the dbSNP, ClinVar, GeneInsight-COGR, Cosmic, MutDB, LOVD 3.0, UMD-LSDB, BIC Database, ARUP Laboratories, Zhejiang Colon Cancer Database, the 1000 Genomes Project, the NHLBI GO Exome Sequencing Project, the Exome Aggregation Consortium (August 8th 2016), or the Genome Aggregation Database (Feb 27, 2017). The c.7726G>T variant leads to a premature stop codon at position 2576 which is predicted to lead to a truncated or absent protein and loss of function. Loss of function variants of the BRCA2 gene are an established mechanism of disease in hereditary breast and ovarian cancer and is the type of variant expected to cause the disorder. In summary, based on the above information this variant meets our laboratoryâ€šÃ„Ã´s criteria to be classified as pathogenic.